The following is an entry in ClinVar:

ClinVar aggregate classification (germline): Uncertain significance (1 of 4 stars; one submission).

Allele frequency attached by ClinVar (database versions not stated): gnomAD exomes below 0.00001.
gnomAD v4.1: 1 of 1,610,088 alleles (0.000062%); highest among the groups gnomAD compares: Non-Finnish European, 0.000085%; no homozygotes.

Submission:

GeneDx
Classification: Uncertain significance. Last evaluated: 2012-05-08. Review status: criteria provided, single submitter. Criteria: GeneDx Variant Classification (06012015). Collection method: clinical testing. Allele origin: germline. Affected: yes.
Comment: p.Leu131Met (CTG>ATG): c.391 C>A in exon 6 of the SLC25A22 gene (NM_024698.5). The L131M variant has not been published as a mutation, nor has it been reported as a benign polymorphism to our knowledge. It was not observed in approximately 6,500 individuals of European and African American ancestry in the NHLBI Exome Sequencing Project, indicating it is not a common benign variant in these populations. The L131M variant is a conservative amino acid substitution, which is not likely to impact secondary protein structure as these residues share similar properties. However, this substitution occurs at a position that is highly conserved across species. In silico analysis is inconsistent in its predictions as to whether or not the variant is damaging to the protein structure/function. Therefore, based on the currently available information, it is unclear whether this variant is a pathogenic mutation or a rare benign variant. The variant is found in INFANT-EPI,EPILEPSY panel(s).

NM_001191061.2(SLC25A22):c.391C>A (p.Leu131Met)

Gene: SLC25A22 (solute carrier family 25 member 22; minus strand). Cytogenetic location: 11p15.5.
Variant type: single nucleotide variant.
Coding change: c.391C>A on transcript NM_001191061.2 (MANE Select); coding-DNA position 391, C replaced by A.
Protein change: p.Leu131Met; replaces leucine 131 with methionine.
Molecular consequence: missense variant.
Genome position (GRCh38, 1-based): chr11:792,891, G>T on the plus strand (C>A on the coding strand, the complement: SLC25A22 is on the minus strand). VCF-style: chr11-792891-G-T. GRCh37 (hg19) VCF-style: chr11-792891-G-T.
Other names: p.L131M:CTG>ATG; c.391C>A, p.Leu131Met (NM_001191060.2, NM_024698.6); short protein forms L131M.
Identifiers: ClinVar variation 207166 (VCV000207166.2), dbSNP rs796053239, ClinGen allele CA318376.